The following is an entry in ClinVar:

NM_001039141.3(TRIOBP):c.2485A>G (p.Thr829Ala)

Gene: TRIOBP (TRIO and F-actin binding protein; plus strand). Cytogenetic location: 22q13.1.
Variant type: single nucleotide variant.
Coding change: c.2485A>G on transcript NM_001039141.3 (MANE Select); coding-DNA position 2485, A replaced by G.
Protein change: p.Thr829Ala; replaces threonine 829 with alanine.
Molecular consequence: missense variant.
Genome position (GRCh38, 1-based): chr22:37,725,041, A>G. VCF-style: chr22-37725041-A-G. GRCh37 (hg19) VCF-style: chr22-38121048-A-G.
Other names: short protein forms T829A.
Identifiers: ClinVar variation 4530006 (VCV004530006.1).

ClinVar aggregate classification (germline): Uncertain significance (1 of 4 stars; one submission).

gnomAD v4.1: 1 of 1,614,124 alleles (0.000062%); highest among the groups gnomAD compares: Non-Finnish European, 0.000085%; no homozygotes.

Submission:

GeneDx
Classification: Uncertain significance. Last evaluated: 2025-05-15. Review status: criteria provided, single submitter. Criteria: GeneDx Variant Classification Process June 2021. Collection method: clinical testing. Allele origin: germline. Affected: yes.
Comment: Not observed at significant frequency in large population cohorts (gnomAD); In silico analysis suggests that this missense variant does not alter protein structure/function; Has not been previously published as pathogenic or benign to our knowledge